The following is an entry in ClinVar:

ClinVar aggregate classification (germline): Uncertain significance. Review status: criteria provided, multiple submitters, no conflicts (2 of 4 stars). 4 submissions from 4 submitters: Uncertain significance (4). Last evaluated 2025-08-07.

Conditions:
Congenital cataract-microcephaly-nevus flammeus simplex-severe intellectual disability syndrome. Also called: Basel-Vanagaite-Smirin-Yosef syndrome. Identifiers: Orphanet 464738, MedGen C4225323, MONDO:0014643, OMIM 616449.
Charcot-Marie-Tooth disease type 2. Also called: Charcot-Marie-Tooth type 2. Identifiers: Orphanet 64746, MedGen C0270914, MONDO:0018993.

Allele frequency attached by ClinVar (database versions not stated): gnomAD below 0.00001 and 0.00002; TOPMed 0.00002; ExAC 0.00003; gnomAD exomes 0.00004.
gnomAD v4.1: 40 of 1,612,992 alleles (0.0025%); highest among the groups gnomAD compares: South Asian, 0.022%; no homozygotes.

Submissions (4):

GeneDx
Classification: Uncertain significance. Last evaluated: 2025-08-07. Review status: criteria provided, single submitter. Criteria: GeneDx Variant Classification Process June 2021. Collection method: clinical testing. Allele origin: germline.
Comment: In silico analysis suggests that this missense variant does not alter protein structure/function; This variant is associated with the following publications: (PMID: 32324310, 31602195, 30800049, 33879512)

3billion
Classification: Uncertain significance for Congenital cataract-microcephaly-nevus flammeus simplex-severe intellectual disability syndrome. Last evaluated: 2024-11-18. Review status: criteria provided, single submitter. Criteria: ACMG Guidelines, 2015. Collection method: clinical testing. Allele origin: germline. Affected: yes.
Comment: The variant is observed at an extremely low frequency in the gnomAD v4.1.0 dataset (total allele frequency: 0.002%). Predicted Consequence/Location: Missense variant Damaging effect on gene or gene product predicted by in silico programs is uncertain [REVEL: 0.58 (damaging >=0.6, benign <0.4), 3Cnet: 0.07 (damaging >=0.6, benign <0.15)]. The variant has been reported as of uncertain significance (ClinVar ID: VCV000932436; PMID: 30800049). Therefore, this variant is classified as VUS according to the recommendation of ACMG/AMP guideline.

Labcorp Genetics (formerly Invitae), Labcorp
Classification: Uncertain significance for Charcot-Marie-Tooth disease type 2. Last evaluated: 2022-08-15. Review status: criteria provided, single submitter. Criteria: Invitae Variant Classification Sherloc (09022015). Collection method: clinical testing. Allele origin: germline.
Comment: This sequence change replaces isoleucine, which is neutral and non-polar, with threonine, which is neutral and polar, at codon 173 of the MED25 protein (p.Ile173Thr). This variant is present in population databases (rs781753774, gnomAD 0.01%). This missense change has been observed in individual(s) with clinical features of MED25-related conditions (PMID: 30800049, 31602195). ClinVar contains an entry for this variant (Variation ID: 932436). Algorithms developed to predict the effect of missense changes on protein structure and function are either unavailable or do not agree on the potential impact of this missense change (SIFT: "Deleterious"; PolyPhen-2: "Benign"; Align-GVGD: "Class C0"). In summary, the available evidence is currently insufficient to determine the role of this variant in disease. Therefore, it has been classified as a Variant of Uncertain Significance.

CeGaT Center for Human Genetics Tuebingen
Classification: Uncertain significance. Last evaluated: 2020-07-01. Review status: criteria provided, single submitter. Criteria: CeGaT Center For Human Genetics Tuebingen Variant Classification Criteria Version 2. Collection method: clinical testing. Allele origin: germline. Affected: yes. Observed: 2 variant alleles.

Literature cited by the submitters: PubMed 30800049 (cited by Labcorp Genetics (formerly Invitae), Labcorp); PubMed 31602195 (cited by Labcorp Genetics (formerly Invitae), Labcorp).

NM_030973.4(MED25):c.518T>C (p.Ile173Thr)

Gene: MED25 (mediator complex subunit 25; plus strand). Cytogenetic location: 19q13.33.
Variant type: single nucleotide variant.
Coding change: c.518T>C on transcript NM_030973.4 (MANE Select); coding-DNA position 518, T replaced by C.
Protein change: p.Ile173Thr; replaces isoleucine 173 with threonine.
Molecular consequence: missense variant.
Genome position (GRCh38, 1-based): chr19:49,829,083, T>C. VCF-style: chr19-49829083-T-C. GRCh37 (hg19) VCF-style: chr19-50332340-T-C.
Other names: c.518T>C, p.Ile173Thr (NM_001378355.1); short protein forms I173T.
Identifiers: ClinVar variation 932436 (VCV000932436.44), dbSNP rs781753774, ClinGen allele CA9584878.